The following is an entry in ClinVar:

NM_000222.3(KIT):c.2683G>A (p.Ala895Thr)

Gene: KIT (KIT proto-oncogene, receptor tyrosine kinase; plus strand). Cytogenetic location: 4q12.
Variant type: single nucleotide variant.
Coding change: c.2683G>A on transcript NM_000222.3 (MANE Select); coding-DNA position 2683, G replaced by A.
Protein change: p.Ala895Thr; replaces alanine 895 with threonine.
Molecular consequence: missense variant.
Genome position (GRCh38, 1-based): chr4:54,736,807, G>A. VCF-style: chr4-54736807-G-A. GRCh37 (hg19) VCF-style: chr4-55602973-G-A.
Other names: c.2671G>A, p.Ala891Thr (NM_001093772.2, NM_001385292.1); c.2686G>A, p.Ala896Thr (NM_001385284.1); c.2680G>A, p.Ala894Thr (NM_001385285.1); c.2668G>A, p.Ala890Thr (NM_001385286.1); c.2674G>A, p.Ala892Thr (NM_001385288.1); c.2683G>A, p.Ala895Thr (NM_001385290.1); short protein forms A895T, A891T, A890T, A892T, A894T, A896T.
Identifiers: ClinVar variation 409723 (VCV000409723.19), dbSNP rs774405431, ClinGen allele CA2923823.

ClinVar aggregate classification (germline): Conflicting classifications of pathogenicity. Review status: criteria provided, conflicting classifications (1 of 4 stars). 6 submissions from 6 submitters: Uncertain significance (4); Likely benign (1). 1 of the submissions does not count toward it. Last evaluated 2026-06-01.

Conditions:
Hereditary cancer-predisposing syndrome. Also called: Neoplastic Syndromes, Hereditary; Hereditary Cancer Syndrome; Hereditary neoplastic syndrome; Tumor predisposition. Identifiers: Orphanet 140162, MedGen C0027672, MeSH D009386, MONDO:0015356.
Gastrointestinal stromal tumor. Also called: Gastrointestinal stroma tumor; Gastrointestinal stromal tumor, somatic. Identifiers: Orphanet 44890, MedGen C0238198, MeSH D046152, MONDO:0011719, OMIM 606764, HP:0100723.
KIT-related disorder. Also called: KIT-related condition.

Allele frequency attached by ClinVar (database versions not stated): ExAC 0.00002; gnomAD exomes 0.00002; TOPMed 0.00002; gnomAD 0.00006.
gnomAD v4.1: 27 of 1,613,772 alleles (0.0017%); highest among the groups gnomAD compares: African/African-American, 0.011%; no homozygotes.

Submissions (6):

Myriad Genetics, Inc.
Classification: Likely benign for Gastrointestinal stromal tumor. Last evaluated: 2026-06-01. Review status: criteria provided, single submitter. Criteria: Myriad Autosomal Dominant, Autosomal Recessive and X-Linked Classification Criteria (2023). Collection method: clinical testing. Allele origin: unknown.
Comment: This variant is considered likely benign. This variant has been observed at a population frequency that is significantly greater than expected given the associated disease prevalence and penetrance.

Labcorp Genetics (formerly Invitae), Labcorp
Classification: Uncertain significance for Gastrointestinal stromal tumor. Last evaluated: 2025-11-10. Review status: criteria provided, single submitter. Criteria: Invitae Variant Classification Sherloc (09022015). Collection method: clinical testing. Allele origin: germline.
Comment: This sequence change replaces alanine, which is neutral and non-polar, with threonine, which is neutral and polar, at codon 895 of the KIT protein (p.Ala895Thr). This variant is present in population databases (rs774405431, gnomAD 0.008%). This variant has not been reported in the literature in individuals affected with KIT-related conditions. ClinVar contains an entry for this variant (Variation ID: 409723). An algorithm developed to predict the effect of missense changes on protein structure and function (PolyPhen-2) suggests that this variant is likely to be disruptive. In summary, the available evidence is currently insufficient to determine the role of this variant in disease. Therefore, it has been classified as a Variant of Uncertain Significance.

GeneDx
Classification: Uncertain significance. Last evaluated: 2024-07-09. Review status: criteria provided, single submitter. Criteria: GeneDx Variant Classification Process June 2021. Collection method: clinical testing. Allele origin: germline. Affected: yes.
Comment: In silico analysis supports that this missense variant has a deleterious effect on protein structure/function; Has not been previously published as pathogenic or benign to our knowledge; This variant is associated with the following publications: (PMID: 32608199, 23890154)

Baylor Genetics
Classification: Uncertain significance for Gastrointestinal stromal tumor. Last evaluated: 2024-02-02. Review status: criteria provided, single submitter. Criteria: ACMG Guidelines, 2015. Collection method: clinical testing. Allele origin: unknown.

Ambry Genetics
Classification: Uncertain significance for Hereditary cancer-predisposing syndrome. Last evaluated: 2023-11-06. Review status: criteria provided, single submitter. Criteria: Ambry Variant Classification Scheme 2023. Collection method: clinical testing. Allele origin: germline.
Comment: The p.A895T variant (also known as c.2683G>A), located in coding exon 19 of the KIT gene, results from a G to A substitution at nucleotide position 2683. The alanine at codon 895 is replaced by threonine, an amino acid with similar properties. This amino acid position is highly conserved in available vertebrate species. In addition, the in silico prediction for this alteration is inconclusive. Since supporting evidence is limited at this time, the clinical significance of this alteration remains unclear.

PreventionGenetics, part of Exact Sciences
Classification: Uncertain significance for KIT-related condition. Last evaluated: 2023-10-18. Review status: no assertion criteria provided. Collection method: clinical testing. Allele origin: germline. Not counted in ClinVar's aggregate classification.
Comment: The KIT c.2683G>A variant is predicted to result in the amino acid substitution p.Ala895Thr. To our knowledge, this variant has not been reported in the literature. This variant is reported in 0.0080% of alleles in individuals of African descent in gnomAD. It is interpreted as uncertain in the ClinVar database. At this time, the clinical significance of this variant is uncertain due to the absence of conclusive functional and genetic evidence.